The following is an entry in ClinVar:

NM_133497.4(KCNV2):c.192G>C (p.Glu64Asp)

Gene: KCNV2 (potassium voltage-gated channel modifier subfamily V member 2; plus strand). Cytogenetic location: 9p24.2.
Variant type: single nucleotide variant.
Coding change: c.192G>C on transcript NM_133497.4 (MANE Select); coding-DNA position 192, G replaced by C.
Protein change: p.Glu64Asp; replaces glutamic acid 64 with aspartic acid.
Molecular consequence: missense variant.
Genome position (GRCh38, 1-based): chr9:2,717,931, G>C. VCF-style: chr9-2717931-G-C. GRCh37 (hg19) VCF-style: chr9-2717931-G-C.
Other names: short protein forms E64D.
Identifiers: ClinVar variation 846463 (VCV000846463.7), dbSNP rs561533607, ClinGen allele CA372795897.

ClinVar aggregate classification (germline): Uncertain significance (1 of 4 stars; one submission).

Allele frequency attached by ClinVar (database versions not stated): TOPMed 0.00001.
gnomAD v4.1: 11 of 1,614,072 alleles (0.00068%); highest among the groups gnomAD compares: African/African-American, 0.004%; no homozygotes.

Submission:

Labcorp Genetics (formerly Invitae), Labcorp
Classification: Uncertain significance. Last evaluated: 2022-06-13. Review status: criteria provided, single submitter. Criteria: Invitae Variant Classification Sherloc (09022015). Collection method: clinical testing. Allele origin: germline.
Comment: This sequence change replaces glutamic acid, which is acidic and polar, with aspartic acid, which is acidic and polar, at codon 64 of the KCNV2 protein (p.Glu64Asp). This variant is present in population databases (no rsID available, gnomAD 0.008%). This variant has not been reported in the literature in individuals affected with KCNV2-related conditions. ClinVar contains an entry for this variant (Variation ID: 846463). Advanced modeling of protein sequence and biophysical properties (such as structural, functional, and spatial information, amino acid conservation, physicochemical variation, residue mobility, and thermodynamic stability) performed at Invitae indicates that this missense variant is not expected to disrupt KCNV2 protein function. In summary, the available evidence is currently insufficient to determine the role of this variant in disease. Therefore, it has been classified as a Variant of Uncertain Significance.